The following is an entry in ClinVar:

NM_001205293.3(CACNA1E):c.1056-8_1056-7inv

Gene: CACNA1E (calcium voltage-gated channel subunit alpha1 E; plus strand). Cytogenetic location: 1q25.3.
Variant type: Inversion.
Coding change: c.1056-8_1056-7inv on transcript NM_001205293.3 (MANE Select).
Molecular consequence: intron variant.
Genome position: GRCh38 VCF-style: chr1-181710946-GT-AC. GRCh37 (hg19) VCF-style: chr1-181680082-GT-AC.
Other names: c.1056-8_1056-7inv (NM_000721.4, NM_001205294.2).
Identifiers: ClinVar variation 1956683 (VCV001956683.5), ClinGen allele CA2580061553.

ClinVar aggregate classification (germline): Uncertain significance (1 of 4 stars; one submission).

Submission:

Labcorp Genetics (formerly Invitae), Labcorp
Classification: Uncertain significance. Last evaluated: 2022-06-08. Review status: criteria provided, single submitter. Criteria: Invitae Variant Classification Sherloc (09022015). Collection method: clinical testing. Allele origin: germline.
Comment: In summary, the available evidence is currently insufficient to determine the role of this variant in disease. Therefore, it has been classified as a Variant of Uncertain Significance. Experimental studies and prediction algorithms are not available or were not evaluated, and the effect of this variant on mRNA splicing is currently unknown. This variant has not been reported in the literature in individuals affected with CACNA1E-related conditions. Information on the frequency of this variant in the gnomAD database is not available, as this variant may be reported differently in the database. This sequence change falls in intron 7 of the CACNA1E gene. It does not directly change the encoded amino acid sequence of the CACNA1E protein.